The following is an entry in ClinVar:

ClinVar aggregate classification (germline): Conflicting classifications of pathogenicity. Review status: criteria provided, conflicting classifications (1 of 4 stars). 3 submissions from 3 submitters: Uncertain significance (1); Likely benign (2). Last evaluated 2025-06-23.

Conditions:
Hereditary cancer-predisposing syndrome. Also called: Tumor predisposition; Neoplastic Syndromes, Hereditary; Hereditary Cancer Syndrome; Hereditary neoplastic syndrome. Identifiers: Orphanet 140162, MedGen C0027672, MeSH D009386, MONDO:0015356.
Hereditary pheochromocytoma and paraganglioma. Also called: Hereditary Paraganglioma-Pheochromocytoma Syndromes; Hereditary paragangliomas and pheochromocytomas; Hereditary pheochromocytoma-paraganglioma. Identifiers: Orphanet 29072, MedGen C4274332, MONDO:0017366.
Pheochromocytoma/paraganglioma syndrome 4. Also called: CAROTID BODY TUMORS AND MULTIPLE EXTRAADRENAL PHEOCHROMOCYTOMAS; PARAGANGLIOMA, FAMILIAL MALIGNANT; PARAGANGLIOMAS, HEREDITARY EXTRAADRENAL; PHEOCHROMOCYTOMA, FAMILIAL EXTRAADRENAL; SDHB-Related Hereditary Paraganglioma-Pheochromocytoma Syndrome; SDHB-Related Hereditary Paraganglioma-Pheochromocytoma Syndrome (Paragangliomas 4). Identifiers: Orphanet 29072, MedGen C1861848, MONDO:0007273, OMIM 115310.
Pheochromocytoma. Also called: MAX-Related Hereditary Paraganglioma-Pheochromocytoma Syndrome. Identifiers: Orphanet 29072, MedGen C0031511, MONDO:0008233, OMIM 171300, HP:0002666.
Gastrointestinal stromal tumor. Also called: Gastrointestinal stroma tumor; Gastrointestinal stromal tumor, somatic. Identifiers: Orphanet 44890, MedGen C0238198, MeSH D046152, MONDO:0011719, OMIM 606764, HP:0100723.

Submissions (3):

Color Diagnostics, LLC DBA Color Health
Classification: Uncertain significance for Hereditary pheochromocytoma and paraganglioma. Last evaluated: 2025-06-23. Review status: criteria provided, single submitter. Criteria: ACMG Guidelines, 2015. Collection method: clinical testing. Allele origin: germline.
Comment: This variant is located in the SDHB protein. To our knowledge, functional studies have not been reported for this variant. This variant has not been reported in individuals affected with SDHB-related disorders in the literature. This variant has not been identified in the general population by the Genome Aggregation Database (gnomAD). The available evidence is insufficient to determine the role of this variant in disease conclusively. Therefore, this variant is classified as a Variant of Uncertain Significance.

Labcorp Genetics (formerly Invitae), Labcorp
Classification: Likely benign for Gastrointestinal stromal tumor; Pheochromocytoma/paraganglioma syndrome 4; Pheochromocytoma. Last evaluated: 2025-05-06. Review status: criteria provided, single submitter. Criteria: Invitae Variant Classification Sherloc (09022015). Collection method: clinical testing. Allele origin: germline.

Ambry Genetics
Classification: Likely benign for Hereditary cancer-predisposing syndrome. Last evaluated: 2024-01-10. Review status: criteria provided, single submitter. Criteria: Ambry Variant Classification Scheme 2023. Collection method: clinical testing. Allele origin: germline.

NM_003000.3(SDHB):c.411G>A (p.Lys137=)

Gene: SDHB (succinate dehydrogenase complex iron sulfur subunit B; minus strand). Cytogenetic location: 1p36.13.
Variant type: single nucleotide variant.
Coding change: c.411G>A on transcript NM_003000.3 (MANE Select); coding-DNA position 411, G replaced by A.
Protein change: p.Lys137=; no amino-acid change (lysine 137 retained).
Molecular consequence: synonymous variant.
Genome position (GRCh38, 1-based): chr1:17,028,612, C>T on the plus strand (G>A on the coding strand, the complement: SDHB is on the minus strand). VCF-style: chr1-17028612-C-T. GRCh37 (hg19) VCF-style: chr1-17355107-C-T.
Other names: c.411G>A (NM_003000.2).
Identifiers: ClinVar variation 1654978 (VCV001654978.10), dbSNP rs2078004300, ClinGen allele CA416087493.
Genomic context (GRCh38, chr1:17,028,612, plus strand): 5'-TGCCCCCCATGCAAATAAAAACAAAACCAGAGAGATGCAGAAACTCACGGGAACAAGATC[C>T]TTTATCACATACATGTGTGGAAGAGGGTAGATTTTTGAGACCTTATTGAGGTTGGTGTCA-3'
Protein context (NP_002991.2, residues 127-147): IYPLPHMYVI[Lys137=]DLVPDLSNFY